The following is an entry in ClinVar:

ClinVar aggregate classification (germline): Uncertain significance. Review status: criteria provided, multiple submitters, no conflicts (2 of 4 stars). 2 submissions from 2 submitters: Uncertain significance (2). Last evaluated 2024-05-02.

Allele frequency attached by ClinVar (database versions not stated): gnomAD exomes below 0.00001; gnomAD 0.00003 and 0.00004; TOPMed 0.00003.
gnomAD v4.1: 8 of 1,612,524 alleles (0.0005%); highest among the groups gnomAD compares: African/African-American, 0.011%; no homozygotes.

Submissions (2):

Blueprint Genetics
Classification: Uncertain significance. Last evaluated: 2024-05-02. Review status: criteria provided, single submitter. Criteria: ACMG Guidelines, 2015. Collection method: clinical testing. Allele origin: germline.

Labcorp Genetics (formerly Invitae), Labcorp
Classification: Uncertain significance. Last evaluated: 2021-12-13. Review status: criteria provided, single submitter. Criteria: Invitae Variant Classification Sherloc (09022015). Collection method: clinical testing. Allele origin: germline.
Comment: This sequence change replaces aspartic acid, which is acidic and polar, with glycine, which is neutral and non-polar, at codon 1140 of the TRPM1 protein (p.Asp1140Gly). This variant is present in population databases (no rsID available, gnomAD 0.02%). This variant has not been reported in the literature in individuals affected with TRPM1-related conditions. Algorithms developed to predict the effect of missense changes on protein structure and function are either unavailable or do not agree on the potential impact of this missense change (SIFT: "Deleterious"; PolyPhen-2: "Benign"; Align-GVGD: "Class C15"). In summary, the available evidence is currently insufficient to determine the role of this variant in disease. Therefore, it has been classified as a Variant of Uncertain Significance.

NM_001252024.2(TRPM1):c.3485A>G (p.Asp1162Gly)

Genes: TRPM1 (transient receptor potential cation channel subfamily M member 1; minus strand), TRPM1-AS1 (TRPM1 antisense RNA 1; plus strand), LOC126862088 (BRD4-independent group 4 enhancer GRCh37_chr15:31318084-31319283; plus strand). Cytogenetic location: 15q13.3.
Variant type: single nucleotide variant.
Coding change: c.3485A>G on transcript NM_001252024.2 (MANE Select); coding-DNA position 3485, A replaced by G.
Protein change: p.Asp1162Gly; replaces aspartic acid 1162 with glycine.
Molecular consequence: missense variant.
Genome position (GRCh38, 1-based): chr15:31,026,926, T>C on the plus strand (A>G on the coding strand, the complement: TRPM1 is on the minus strand). VCF-style: chr15-31026926-T-C. GRCh37 (hg19) VCF-style: chr15-31319129-T-C.
Other names: c.3536A>G, p.Asp1179Gly (NM_001252020.2); c.3419A>G, p.Asp1140Gly (NM_002420.6); short protein forms D1140G, D1162G, D1179G.
Identifiers: ClinVar variation 1365360 (VCV001365360.4), dbSNP rs926064262, ClinGen allele CA267514095.